The following is an entry in ClinVar:

NM_001098671.2(RASGRP2):c.-71-449G>A

Gene: RASGRP2 (RAS guanyl releasing protein 2; minus strand). Cytogenetic location: 11q13.1.
Variant type: single nucleotide variant.
Coding change: c.-71-449G>A on transcript NM_001098671.2 (MANE Select); 449 bases into the intron before 71 bases upstream of the start codon, G replaced by A.
Molecular consequence: intron variant.
Genome position (GRCh38, 1-based): chr11:64,743,386, C>T on the plus strand (G>A on the coding strand, the complement: RASGRP2 is on the minus strand). VCF-style: chr11-64743386-C-T. GRCh37 (hg19) VCF-style: chr11-64510858-C-T.
Other names: c.-71-449G>A (NM_153819.2, NM_001440690.1, NM_001440698.1 and 13 more transcripts); c.-72+431G>A (NM_001440694.1, NM_001440696.1); c.-426-449G>A (NM_001318398.2).
Identifiers: ClinVar variation 2641930 (VCV002641930.24), dbSNP rs140545408, ClinGen allele CA6079449.

ClinVar aggregate classification (germline): Likely benign (1 of 4 stars; one submission).

Allele frequency attached by ClinVar (database versions not stated): gnomAD exomes 0.00030; ExAC 0.00209; gnomAD 0.00270; TOPMed 0.00323; 1000 Genomes Project 30x 0.00328; 1000 Genomes Project 0.00339.
gnomAD v4.1: 476 of 384,890 alleles (0.12%); highest among the groups gnomAD compares: African/African-American, 0.9%; no homozygotes.

Submission:

CeGaT Center for Human Genetics Tuebingen
Classification: Likely benign. Last evaluated: 2022-06-01. Review status: criteria provided, single submitter. Criteria: CeGaT Center For Human Genetics Tuebingen Variant Classification Criteria Version 2. Collection method: clinical testing. Allele origin: germline. Affected: yes. Observed: 1 variant allele.
Comment: RASGRP2: BS2